The following is an entry in ClinVar:

NM_004415.4(DSP):c.4678C>G (p.Gln1560Glu)

Gene: DSP (desmoplakin; plus strand). Cytogenetic location: 6p24.3.
Variant type: single nucleotide variant.
Coding change: c.4678C>G on transcript NM_004415.4 (MANE Select); coding-DNA position 4678, C replaced by G.
Protein change: p.Gln1560Glu; replaces glutamine 1560 with glutamic acid.
Molecular consequence: missense variant. On other transcripts: intron variant (2).
Genome position (GRCh38, 1-based): chr6:7,580,868, C>G. VCF-style: chr6-7580868-C-G. GRCh37 (hg19) VCF-style: chr6-7581101-C-G.
Other names: c.4050+628C>G (NM_001319034.2); c.3582+1096C>G (NM_001008844.3); short protein forms Q1560E.
Identifiers: ClinVar variation 2775313 (VCV002775313.4), dbSNP rs773320949, ClinGen allele CA042470.

ClinVar aggregate classification (germline): Uncertain significance. Review status: criteria provided, multiple submitters, no conflicts (2 of 4 stars). 3 submissions from 3 submitters: Uncertain significance (3). Last evaluated 2026-01-28.

Conditions:
Cardiomyopathy (CMYO). Also called: Cardiomyopathies. Identifiers: Orphanet 167848, MedGen C0878544, MONDO:0004994, HP:0001638. Inheritance: Various modes of inheritance.
Arrhythmogenic cardiomyopathy with wooly hair and keratoderma. Also called: PALMOPLANTAR KERATODERMA WITH LEFT VENTRICULAR CARDIOMYOPATHY AND WOOLLY HAIR; Dilated cardiomyopathy with woolly hair and keratoderma; Arrhythmogenic cardiomyopathy with woolly hair and keratoderma; Carvajal syndrome. Identifiers: Orphanet 65282, MedGen C1854063, MONDO:0011581, OMIM 605676.
Arrhythmogenic right ventricular dysplasia 8 (ARVD8). Also called: Arrhythmogenic Right Ventricular Dysplasia/Cardiomyopathy 8; ARRHYTHMOGENIC RIGHT VENTRICULAR DYSPLASIA, FAMILIAL, 8; ARRHYTHMOGENIC RIGHT VENTRICULAR CARDIOMYOPATHY 8. Identifiers: MedGen C1843896, MONDO:0011831, OMIM 607450.

Allele frequency attached by ClinVar (database versions not stated): gnomAD exomes 0.00001; ExAC 0.00001.

Submissions (3):

Labcorp Genetics (formerly Invitae), Labcorp
Classification: Uncertain significance for Arrhythmogenic cardiomyopathy with wooly hair and keratoderma; Arrhythmogenic right ventricular dysplasia 8. Last evaluated: 2026-01-28. Review status: criteria provided, single submitter. Criteria: Invitae Variant Classification Sherloc (09022015). Collection method: clinical testing. Allele origin: germline.
Comment: This sequence change replaces glutamine, which is neutral and polar, with glutamic acid, which is acidic and polar, at codon 1560 of the DSP protein (p.Gln1560Glu). This variant is not present in population databases (gnomAD no frequency). This variant has not been reported in the literature in individuals affected with DSP-related conditions. ClinVar contains an entry for this variant (Variation ID: 2775313). An algorithm developed to predict the effect of missense changes on protein structure and function (PolyPhen-2) suggests that this variant is likely to be disruptive. In summary, the available evidence is currently insufficient to determine the role of this variant in disease. Therefore, it has been classified as a Variant of Uncertain Significance.

Color Diagnostics, LLC DBA Color Health
Classification: Uncertain significance for Cardiomyopathy. Last evaluated: 2024-03-06. Review status: criteria provided, single submitter. Criteria: ACMG Guidelines, 2015. Collection method: clinical testing. Allele origin: germline.
Comment: This missense variant replaces glutamine with glutamic acid at codon 1560 of the DSP protein. Computational prediction suggests that this variant may not impact protein structure and function (internally defined REVEL score threshold <= 0.5, PMID: 27666373). To our knowledge, functional studies have not been reported for this variant. This variant has not been reported in individuals affected with DSP-related disorders in the literature. This variant has not been identified in the general population by the Genome Aggregation Database (gnomAD). The available evidence is insufficient to determine the role of this variant in disease conclusively. Therefore, this variant is classified as a Variant of Uncertain Significance.

All of Us Research Program, National Institutes of Health
Classification: Uncertain significance for Arrhythmogenic cardiomyopathy with wooly hair and keratoderma. Last evaluated: 2023-10-02. Review status: criteria provided, single submitter. Criteria: ACMG Guidelines, 2015. Collection method: clinical testing. Allele origin: germline. Inheritance: Autosomal dominant inheritance. Observed: 2 variant alleles, 2 heterozygotes.
Comment: This missense variant replaces glutamine with glutamic acid at codon 1560 of the DSP protein. Computational prediction suggests that this variant may not impact protein structure and function (internally defined REVEL score threshold <= 0.5, PMID: 27666373). To our knowledge, functional studies have not been reported for this variant. This variant has not been reported in individuals affected with DSP-related disorders in the literature. This variant has not been identified in the general population by the Genome Aggregation Database (gnomAD). The available evidence is insufficient to determine the role of this variant in disease conclusively. Therefore, this variant is classified as a Variant of Uncertain Significance.

This study involves interpretation of variants in research participants for the purpose of population health screening. Participant phenotype was not available at the time of variant classification. Additional details can be found in publication PMID: 35346344, PMCID: PMC8962531